The following is an entry in ClinVar:

NM_000492.4(CFTR):c.3807C>G (p.Ile1269Met)

Genes: CFTR (CF transmembrane conductance regulator; plus strand), CFTR-AS2 (CFTR antisense RNA 2; minus strand). Cytogenetic location: 7q31.2.
Variant type: single nucleotide variant.
Coding change: c.3807C>G on transcript NM_000492.4 (MANE Select); coding-DNA position 3807, C replaced by G.
Protein change: p.Ile1269Met; replaces isoleucine 1269 with methionine.
Molecular consequence: missense variant.
Genome position (GRCh38, 1-based): chr7:117,642,527, C>G. VCF-style: chr7-117642527-C-G. GRCh37 (hg19) VCF-style: chr7-117282581-C-G.
Other names: short protein forms I1269M.
Identifiers: ClinVar variation 662650 (VCV000662650.7), dbSNP rs1800129, ClinGen allele CA4451550.

ClinVar aggregate classification (germline): Uncertain significance. Review status: criteria provided, multiple submitters, no conflicts (2 of 4 stars). 3 submissions from 3 submitters: Uncertain significance (2). 1 of the submissions does not count toward it. Last evaluated 2024-05-07.

Conditions:
Cystic fibrosis (CF). Also called: MUCOVISCIDOSIS. Identifiers: Orphanet 586, MedGen C0010674, MONDO:0009061, OMIM 219700. Disease mechanism: loss of function.
CFTR-related disorder (CFTR-RD). Also called: CFTR-related condition; CFTR-related disorders. Identifiers: MedGen C5924204, MONDO:7770004.

Allele frequency attached by ClinVar (database versions not stated): ESP Exome Variant Server 0.00008; TOPMed 0.00002.
gnomAD v4.1: 60 of 1,613,348 alleles (0.0037%); highest among the groups gnomAD compares: Non-Finnish European, 0.0051%; no homozygotes.

Submissions (3):

Labcorp Genetics (formerly Invitae), Labcorp
Classification: Uncertain significance for Cystic fibrosis. Last evaluated: 2024-05-07. Review status: criteria provided, single submitter. Criteria: Invitae Variant Classification Sherloc (09022015). Collection method: clinical testing. Allele origin: germline.
Comment: This sequence change replaces isoleucine, which is neutral and non-polar, with methionine, which is neutral and non-polar, at codon 1269 of the CFTR protein (p.Ile1269Met). This variant is present in population databases (rs1800129, gnomAD 0.003%). This variant has not been reported in the literature in individuals affected with CFTR-related conditions. ClinVar contains an entry for this variant (Variation ID: 662650). Advanced modeling of protein sequence and biophysical properties (such as structural, functional, and spatial information, amino acid conservation, physicochemical variation, residue mobility, and thermodynamic stability) performed at Invitae indicates that this missense variant is expected to disrupt CFTR protein function with a positive predictive value of 80%. In summary, the available evidence is currently insufficient to determine the role of this variant in disease. Therefore, it has been classified as a Variant of Uncertain Significance.

Ambry Genetics
Classification: Uncertain significance for Cystic fibrosis. Last evaluated: 2024-01-02. Review status: criteria provided, single submitter. Criteria: Ambry Variant Classification Scheme 2023. Collection method: clinical testing. Allele origin: germline.
Comment: The p.I1269M variant (also known as c.3807C>G), located in coding exon 23 of the CFTR gene, results from a C to G substitution at nucleotide position 3807. The isoleucine at codon 1269 is replaced by methionine, an amino acid with highly similar properties. This amino acid position is highly conserved in available vertebrate species. In addition, this alteration is predicted to be deleterious by in silico analysis. Since supporting evidence is limited at this time, the clinical significance of this alteration remains unclear.

Natera, Inc.
Classification: Uncertain significance for CFTR-related disorders. Last evaluated: 2018-06-30. Review status: no assertion criteria provided. Collection method: clinical testing. Allele origin: germline. Not counted in ClinVar's aggregate classification.